The following is an entry in ClinVar:

ClinVar aggregate classification (germline): Likely pathogenic. Review status: criteria provided, multiple submitters, no conflicts (2 of 4 stars). 2 submissions from 2 submitters: Likely pathogenic (2). Last evaluated 2025-04-22.

Conditions:
IFNAR1-related disorder. Also called: IFNAR1-related condition.

Submissions (2):

PreventionGenetics, part of Exact Sciences
Classification: Likely pathogenic for IFNAR1-related condition. Last evaluated: 2025-04-22. Review status: criteria provided, single submitter. Criteria: ACMG Guidelines, 2015. Collection method: clinical testing. Allele origin: germline.
Comment: The IFNAR1 c.789-2A>G variant is predicted to disrupt the AG splice acceptor site and interfere with normal splicing. To our knowledge, this variant has not been reported in the literature or in a large population database (gnomAD), indicating this variant is rare. Variants that disrupt the consensus splice acceptor site in IFNAR1 are expected to be pathogenic. This variant is interpreted as likely pathogenic.

Labcorp Genetics (formerly Invitae), Labcorp
Classification: Likely pathogenic. Last evaluated: 2024-10-22. Review status: criteria provided, single submitter. Criteria: Invitae Variant Classification Sherloc (09022015). Collection method: clinical testing. Allele origin: germline.
Comment: This sequence change affects an acceptor splice site in intron 6 of the IFNAR1 gene. It is expected to disrupt RNA splicing. Variants that disrupt the donor or acceptor splice site typically lead to a loss of protein function (PMID: 16199547), and loss-of-function variants in IFNAR1 are known to be pathogenic (PMID: 31270247, 32960813). This variant is not present in population databases (gnomAD no frequency). This variant has not been reported in the literature in individuals affected with IFNAR1-related conditions. Algorithms developed to predict the effect of sequence changes on RNA splicing suggest that this variant may disrupt the consensus splice site. In summary, the currently available evidence indicates that the variant is pathogenic, but additional data are needed to prove that conclusively. Therefore, this variant has been classified as Likely Pathogenic.

Literature cited by the submitters: PubMed 16199547 (cited by Labcorp Genetics (formerly Invitae), Labcorp); PubMed 31270247 (cited by Labcorp Genetics (formerly Invitae), Labcorp); PubMed 32960813 (cited by Labcorp Genetics (formerly Invitae), Labcorp).

NM_000629.3(IFNAR1):c.789-2A>G

Gene: IFNAR1 (interferon alpha and beta receptor subunit 1; plus strand). Cytogenetic location: 21q22.11.
Variant type: single nucleotide variant.
Coding change: c.789-2A>G on transcript NM_000629.3 (MANE Select); the canonical splice acceptor site of the intron before coding-DNA position 789, A replaced by G.
Molecular consequence: splice acceptor variant. On other transcripts: intron variant (1).
Genome position (GRCh38, 1-based): chr21:33,349,089, A>G. VCF-style: chr21-33349089-A-G. GRCh37 (hg19) VCF-style: chr21-34721395-A-G.
Other names: c.789-2A>G (NM_000629.2, NM_001384498.1, NM_001384503.1 and 1 more transcripts); c.582-2A>G (NM_001384504.1); c.27-2A>G (NM_001384500.1); c.789-17A>G (NM_001384501.1); c.327-2A>G (NM_001384502.1).
Identifiers: ClinVar variation 2992362 (VCV002992362.4), dbSNP rs2516880373, ClinGen allele CA410108180.